The following is an entry in ClinVar:

ClinVar aggregate classification (germline): Uncertain significance (1 of 4 stars; one submission).

Conditions:
Inborn genetic diseases. Identifiers: MedGen C0950123, MeSH D030342.

Submission:

Ambry Genetics
Classification: Uncertain significance for Inborn genetic diseases. Last evaluated: 2026-04-17. Review status: criteria provided, single submitter. Criteria: Ambry Variant Classification Scheme 2023. Collection method: clinical testing. Allele origin: germline.
Comment: The c.1432G>T (p.A478S) alteration is located in exon 5 (coding exon 5) of the IQSEC2 gene. This alteration results from a G to T substitution at nucleotide position 1432, causing the alanine (A) at amino acid position 478 to be replaced by a serine (S). Based on data from gnomAD, the T allele has an overall frequency of <0.001% (1/182271) total alleles studied. The highest observed frequency was 0.001% (1/81538) of European (non-Finnish) alleles. This amino acid position is highly conserved in available vertebrate species. This missense variant is located in a region that has a low rate of benign missense variation (Lek, 2016; Firth, 2009). The in silico prediction for this alteration is inconclusive. Based on insufficient or conflicting evidence, the clinical significance of this alteration remains unclear.

NM_001111125.3(IQSEC2):c.1432G>T (p.Ala478Ser)

Gene: IQSEC2 (IQ motif and Sec7 domain ArfGEF 2; minus strand). Cytogenetic location: Xp11.22.
Variant type: single nucleotide variant.
Coding change: c.1432G>T on transcript NM_001111125.3 (MANE Select); coding-DNA position 1432, G replaced by T.
Protein change: p.Ala478Ser; replaces alanine 478 with serine.
Molecular consequence: missense variant.
Genome position (GRCh38, 1-based): chrX:53,251,144, C>A on the plus strand (G>T on the coding strand, the complement: IQSEC2 is on the minus strand). VCF-style: chrX-53251144-C-A. GRCh37 (hg19) VCF-style: chrX-53280326-C-A.
Other names: c.1432G>T, p.Ala478Ser (NM_001410736.1, NM_001441092.1); c.934G>T, p.Ala312Ser (NM_001441093.1); c.721G>T, p.Ala241Ser (NM_001441094.1, NM_001441095.1); c.817G>T, p.Ala273Ser (NM_015075.2); short protein forms A241S, A273S, A312S, A478S.
Identifiers: ClinVar variation 4858472 (VCV004858472.1).